The following is an entry in ClinVar:

ClinVar aggregate classification (germline): Likely benign (1 of 4 stars; one submission).

Submission:

CeGaT Center for Human Genetics Tuebingen
Classification: Likely benign. Last evaluated: 2025-08-01. Review status: criteria provided, single submitter. Criteria: CeGaT Center For Human Genetics Tuebingen Variant Classification Criteria Version 2. Collection method: clinical testing. Allele origin: germline. Affected: yes. Observed: 1 variant allele.
Comment: APC: PM2:Supporting, BP4, BP7

NM_000038.6(APC):c.7408A>C (p.Arg2470=)

Gene: APC (APC regulator of Wnt signaling pathway; plus strand). Cytogenetic location: 5q22.2.
Variant type: single nucleotide variant.
Coding change: c.7408A>C on transcript NM_000038.6 (MANE Select); coding-DNA position 7408, A replaced by C.
Protein change: p.Arg2470=; no amino-acid change (arginine 2470 retained).
Molecular consequence: synonymous variant. On other transcripts: non-coding transcript variant (2).
Genome position (GRCh38, 1-based): chr5:112,843,002, A>C. VCF-style: chr5-112843002-A-C. GRCh37 (hg19) VCF-style: chr5-112178699-A-C.
Other names: c.7408A>C, p.Arg2470= (NM_001127510.3, NM_001354895.2, NM_001407450.1); c.7354A>C, p.Arg2452= (NM_001127511.3); c.7462A>C, p.Arg2488= (NM_001354896.2, NM_001407447.1, NM_001407448.1 and 1 more transcripts); c.7438A>C, p.Arg2480= (NM_001354897.2); c.7333A>C, p.Arg2445= (NM_001354898.2); c.7324A>C, p.Arg2442= (NM_001354899.2); c.7285A>C, p.Arg2429= (NM_001354900.2); c.7231A>C, p.Arg2411= (NM_001354901.2, NM_001407453.1); and 11 more.
Identifiers: ClinVar variation 4085714 (VCV004085714.8).